The following is an entry in ClinVar:

NM_000284.4(PDHA1):c.940A>T (p.Ser314Cys)

Gene: PDHA1 (pyruvate dehydrogenase E1 subunit alpha 1; plus strand). Cytogenetic location: Xp22.12.
Variant type: single nucleotide variant.
Coding change: c.940A>T on transcript NM_000284.4 (MANE Select); coding-DNA position 940, A replaced by T.
Protein change: p.Ser314Cys; replaces serine 314 with cysteine.
Molecular consequence: missense variant.
Genome position (GRCh38, 1-based): chrX:19,358,956, A>T. VCF-style: chrX-19358956-A-T. GRCh37 (hg19) VCF-style: chrX-19377074-A-T.
Other names: c.1054A>T, p.Ser352Cys (NM_001173454.2); c.961A>T, p.Ser321Cys (NM_001173455.2); c.847A>T, p.Ser283Cys (NM_001173456.2); short protein forms S283C, S314C, S321C, S352C.
Identifiers: ClinVar variation 4070407 (VCV004070407.1).

ClinVar aggregate classification (germline): Likely pathogenic (0 of 4 stars; one submission).

Conditions:
Pyruvate dehydrogenase E1-alpha deficiency (PDHAD). Also called: ATAXIA, INTERMITTENT, WITH PYRUVATE DEHYDROGENASE DEFICIENCY; ATAXIA WITH LACTIC ACIDOSIS I; ATAXIA, INTERMITTENT, WITH ABNORMAL PYRUVATE METABOLISM; Ataxia, intermittent, with pyruvate dehydrogenase, or decarboxylase, deficiency. Identifiers: Orphanet 79243, MedGen C1839413, MONDO:0010717, OMIM 312170.

Submission:

PDHA1 Study Group, University Children’s Hospital, Paracelsus Medical University
Classification: Likely pathogenic for Pyruvate dehydrogenase E1-alpha deficiency. Last evaluated: 2024-10-15. Review status: no assertion criteria provided. Collection method: research. Allele origin: germline. Affected: yes. Observed: 1 variant allele.
Comment: The NM_000284.3:c.940A>T (p.Ser314Cys) substitution is a missense variant in PDHA1 gene. The variant has been reported in 1 published case (PMIDs: 28918066). Last literature search: July 12, 2024. This variant is absent or extremely rare in population-based cohorts in the Genome Aggregation Database (gnomAD). Individuals harboring this variant presented with clinical features compatible with PDHA1-related PDHc deficiency. In summary, this variant meets criteria to be classified as likely pathogenic (LP) for PDHA1-related PDHc deficiency based on the ACMG/AMP criteria applied: PM1, PM2, PM7, PP3 (last assessment October 15, 2024).

Literature cited by the submitters: PubMed 28918066; DOI 10.1093/brain/awaf430.